The following is an entry in ClinVar:

ClinVar aggregate classification (germline): Uncertain significance (1 of 4 stars; one submission).

Submission:

GeneDx
Classification: Uncertain significance. Last evaluated: 2025-02-24. Review status: criteria provided, single submitter. Criteria: GeneDx Variant Classification Process June 2021. Collection method: clinical testing. Allele origin: germline. Affected: yes.
Comment: Not observed at significant frequency in large population cohorts (gnomAD); Has not been previously published as pathogenic or benign to our knowledge; In silico analysis is inconclusive as to whether the variant alters gene splicing. In the absence of RNA/functional studies, the actual effect of this sequence change is unknown.

NM_001128840.3(CACNA1D):c.2919-7T>G

Gene: CACNA1D (calcium voltage-gated channel subunit alpha1 D; plus strand). Cytogenetic location: 3p21.1.
Variant type: single nucleotide variant.
Coding change: c.2919-7T>G on transcript NM_001128840.3 (MANE Select); 7 bases into the intron before coding-DNA position 2919, T replaced by G.
Molecular consequence: intron variant.
Genome position (GRCh38, 1-based): chr3:53,744,733, T>G. VCF-style: chr3-53744733-T-G. GRCh37 (hg19) VCF-style: chr3-53778760-T-G.
Other names: c.2919-7T>G (NM_001128839.3); c.2979-7T>G (NM_000720.4).
Identifiers: ClinVar variation 4076769 (VCV004076769.1).